The following is an entry in ClinVar:

NM_145068.4(TRPV3):c.903C>T (p.His301=)

Gene: TRPV3 (transient receptor potential cation channel subfamily V member 3; minus strand). Cytogenetic location: 17p13.2.
Variant type: single nucleotide variant.
Coding change: c.903C>T on transcript NM_145068.4 (MANE Select); coding-DNA position 903, C replaced by T.
Protein change: p.His301=; no amino-acid change (histidine 301 retained).
Molecular consequence: synonymous variant.
Genome position (GRCh38, 1-based): chr17:3,532,819, G>A on the plus strand (C>T on the coding strand, the complement: TRPV3 is on the minus strand). VCF-style: chr17-3532819-G-A. GRCh37 (hg19) VCF-style: chr17-3436113-G-A.
Other names: c.903C>T, p.His301= (NM_001258205.2); c.903C>T (NM_145068.3).
Identifiers: ClinVar variation 2174860 (VCV002174860.6), dbSNP rs371794577, ClinGen allele CA8289671.

ClinVar aggregate classification (germline): Likely benign. Review status: criteria provided, single submitter (1 of 4 stars). 2 submissions from 2 submitters: Likely benign (1). 1 of the submissions does not count toward it. Last evaluated 2025-09-08.

Conditions:
TRPV3-related disorder. Also called: TRPV3-related condition.

Allele frequency attached by ClinVar (database versions not stated): ExAC 0.00011; gnomAD 0.00011; TOPMed 0.00014; ESP Exome Variant Server 0.00023.
gnomAD v4.1: 247 of 1,614,160 alleles (0.015%); highest among the groups gnomAD compares: Non-Finnish European, 0.017%; no homozygotes.

Submissions (2):

Labcorp Genetics (formerly Invitae), Labcorp
Classification: Likely benign. Last evaluated: 2025-09-08. Review status: criteria provided, single submitter. Criteria: Invitae Variant Classification Sherloc (09022015). Collection method: clinical testing. Allele origin: germline.

PreventionGenetics, part of Exact Sciences
Classification: Likely benign for TRPV3-related condition. Last evaluated: 2019-06-28. Review status: no assertion criteria provided. Collection method: clinical testing. Allele origin: germline. Not counted in ClinVar's aggregate classification.
Comment: This variant is classified as likely benign based on ACMG/AMP sequence variant interpretation guidelines (Richards et al. 2015 PMID: 25741868, with internal and published modifications).